The following is an entry in ClinVar:

ClinVar aggregate classification (germline): Uncertain significance (1 of 4 stars; one submission).

Conditions:
Primary ciliary dyskinesia. Also called: Ciliary dyskinesia. Identifiers: Orphanet 244, MedGen C0008780, MONDO:0016575, HP:0012265.

Allele frequency attached by ClinVar (database versions not stated): gnomAD exomes below 0.00001.

Submission:

Labcorp Genetics (formerly Invitae), Labcorp
Classification: Uncertain significance for Primary ciliary dyskinesia. Last evaluated: 2025-06-16. Review status: criteria provided, single submitter. Criteria: Invitae Variant Classification Sherloc (09022015). Collection method: clinical testing. Allele origin: germline.
Comment: This sequence change replaces threonine, which is neutral and polar, with alanine, which is neutral and non-polar, at codon 57 of the DNAAF2 protein (p.Thr57Ala). This variant is not present in population databases (gnomAD no frequency). This variant has not been reported in the literature in individuals affected with DNAAF2-related conditions. ClinVar contains an entry for this variant (Variation ID: 1719809). Invitae Evidence Modeling of protein sequence and biophysical properties (such as structural, functional, and spatial information, amino acid conservation, physicochemical variation, residue mobility, and thermodynamic stability) indicates that this missense variant is not expected to disrupt DNAAF2 protein function with a negative predictive value of 80%. In summary, the available evidence is currently insufficient to determine the role of this variant in disease. Therefore, it has been classified as a Variant of Uncertain Significance.

NM_018139.3(DNAAF2):c.169A>G (p.Thr57Ala)

Gene: DNAAF2 (dynein axonemal assembly factor 2; minus strand). Cytogenetic location: 14q21.3.
Variant type: single nucleotide variant.
Coding change: c.169A>G on transcript NM_018139.3 (MANE Select); coding-DNA position 169, A replaced by G.
Protein change: p.Thr57Ala; replaces threonine 57 with alanine.
Molecular consequence: missense variant.
Genome position (GRCh38, 1-based): chr14:49,634,981, T>C on the plus strand (A>G on the coding strand, the complement: DNAAF2 is on the minus strand). VCF-style: chr14-49634981-T-C. GRCh37 (hg19) VCF-style: chr14-50101699-T-C.
Other names: c.169A>G, p.Thr57Ala (NM_001083908.2); short protein forms T57A.
Identifiers: ClinVar variation 1719809 (VCV001719809.6), dbSNP rs1021747866, ClinGen allele CA260670232.